The following is an entry in ClinVar:

ClinVar aggregate classification (germline): Uncertain significance (1 of 4 stars; one submission).

Submission:

GeneDx
Classification: Uncertain significance. Last evaluated: 2025-06-01. Review status: criteria provided, single submitter. Criteria: GeneDx Variant Classification Process June 2021. Collection method: clinical testing. Allele origin: germline. Affected: yes.
Comment: Not observed at significant frequency in large population cohorts (gnomAD); In silico analysis suggests that this missense variant does not alter protein structure/function; Has not been previously published as pathogenic or benign to our knowledge

NM_031407.7(HUWE1):c.8092G>T (p.Ala2698Ser)

Gene: HUWE1 (HECT, UBA and WWE domain containing E3 ubiquitin protein ligase 1; minus strand). Cytogenetic location: Xp11.22.
Variant type: single nucleotide variant.
Coding change: c.8092G>T on transcript NM_031407.7 (MANE Select); coding-DNA position 8092, G replaced by T.
Protein change: p.Ala2698Ser; replaces alanine 2698 with serine.
Molecular consequence: missense variant.
Genome position (GRCh38, 1-based): chrX:53,558,723, C>A on the plus strand (G>T on the coding strand, the complement: HUWE1 is on the minus strand). VCF-style: chrX-53558723-C-A. GRCh37 (hg19) VCF-style: chrX-53585684-C-A.
Other names: c.8089G>T, p.Ala2697Ser (NM_001441048.1, NM_001441051.1, NM_001441053.1 and 2 more transcripts); c.8092G>T, p.Ala2698Ser (NM_001441049.1, NM_001441054.1, NM_001441057.1); c.8113G>T, p.Ala2705Ser (NM_001441050.1, NM_001441055.1); c.7690G>T, p.Ala2564Ser (NM_001441052.1); short protein forms A2564S, A2697S, A2698S, A2705S.
Identifiers: ClinVar variation 4532314 (VCV004532314.1).